The following is an entry in ClinVar:

ClinVar aggregate classification (germline): Likely benign (1 of 4 stars; one submission).

Submission:

CeGaT Center for Human Genetics Tuebingen
Classification: Likely benign. Last evaluated: 2025-12-01. Review status: criteria provided, single submitter. Criteria: CeGaT Center For Human Genetics Tuebingen Variant Classification Criteria Version 2. Collection method: clinical testing. Allele origin: germline. Affected: yes. Observed: 1 variant allele.
Comment: FAM230A: BP4, BS2

NC_000022.11:g.20355745G>C

Variant type: single nucleotide variant.
Genome position: GRCh38 VCF-style: chr22-20355745-G-C. GRCh37 (hg19) VCF-style: chr22-20710035-G-C.
Identifiers: ClinVar variation 4681391 (VCV004681391.5).
Genomic context (GRCh38, chr22:20,355,745, plus strand): 5'-GCCCATGGCATCACTAACAAGGAGGCCGCCCAGGCCATCGCTAAGCAGGATGCCGCCCAC[G>C]GCATCACTAACGAGGACGCCGTCCAGGGCGTCGCTAACGAGGTCGCCGCCCAGGGCGTCG-3'